The following is an entry in ClinVar:

NM_024996.7(GFM1):c.1217del (p.Met406fs)

Gene: GFM1 (G elongation factor mitochondrial 1; plus strand). Cytogenetic location: 3q25.32.
Variant type: Deletion.
Coding change: c.1217del on transcript NM_024996.7 (MANE Select); coding-DNA position 1217, one base deleted (T; older notation c.1217delT).
Protein change: p.Met406fs; shifts the reading frame from methionine 406.
Molecular consequence: frameshift variant. On other transcripts: non-coding transcript variant (4), intron variant (1).
Genome position (GRCh38, 1-based): chr3:158,659,055, T deleted. VCF-style (leftmost placement, unchanged base first): chr3-158659054-AT-A. GRCh37 (hg19) VCF-style: chr3-158376843-AT-A.
Other names: c.1274del, p.Met425fs (NM_001308164.2); c.1217del, p.Met406fs (NM_001308166.2); c.1100del, p.Met367fs (NM_001374356.1); c.992del, p.Met331fs (NM_001374357.1); c.758del, p.Met253fs (NM_001374358.1); c.650del, p.Met217fs (NM_001374359.1, NM_001374360.1); c.533del, p.Met178fs (NM_001374361.1); c.1141-1819del (NM_001374355.1); short protein forms M331fs, M367fs, M425fs, M406fs, M253fs, M178fs, M217fs.
Identifiers: ClinVar variation 1362126 (VCV001362126.6), dbSNP rs2108035662, ClinGen allele CA2573136687.

ClinVar aggregate classification (germline): Pathogenic (1 of 4 stars; one submission).

Submission:

Labcorp Genetics (formerly Invitae), Labcorp
Classification: Pathogenic. Last evaluated: 2021-06-13. Review status: criteria provided, single submitter. Criteria: Invitae Variant Classification Sherloc (09022015). Collection method: clinical testing. Allele origin: germline.
Comment: For these reasons, this variant has been classified as Pathogenic. This variant has not been reported in the literature in individuals with GFM1-related conditions. This variant is not present in population databases (ExAC no frequency). This sequence change creates a premature translational stop signal (p.Met406Argfs*48) in the GFM1 gene. It is expected to result in an absent or disrupted protein product. Loss-of-function variants in GFM1 are known to be pathogenic (PMID: 16632485, 17160893).

Literature cited by the submitters: PubMed 16632485; PubMed 17160893.